The following is an entry in ClinVar:

NM_003748.4(ALDH4A1):c.1650A>G (p.Thr550=)

Gene: ALDH4A1 (aldehyde dehydrogenase 4 family member A1; minus strand). Cytogenetic location: 1p36.13.
Variant type: single nucleotide variant.
Coding change: c.1650A>G on transcript NM_003748.4 (MANE Select); coding-DNA position 1650, A replaced by G.
Protein change: p.Thr550=; no amino-acid change (threonine 550 retained).
Molecular consequence: synonymous variant.
Genome position (GRCh38, 1-based): chr1:18,872,887, T>C on the plus strand (A>G on the coding strand, the complement: ALDH4A1 is on the minus strand). VCF-style: chr1-18872887-T-C. GRCh37 (hg19) VCF-style: chr1-19199381-T-C.
Other names: c.1470A>G, p.Thr490= (NM_001161504.2); c.1497A>G, p.Thr499= (NM_001319218.2); c.1650A>G, p.Thr550= (NM_170726.3); c.1650A>G (NM_170726.2).
Identifiers: ClinVar variation 1334961 (VCV001334961.41), dbSNP rs202214117, ClinGen allele CA646796.

ClinVar aggregate classification (germline): Likely benign. Review status: criteria provided, multiple submitters, no conflicts (2 of 4 stars). 3 submissions from 3 submitters: Likely benign (2). 1 of the submissions does not count toward it. Last evaluated 2025-12-08.

Conditions:
Hyperprolinemia type 2 (HYRPRO2). Also called: Deficiency of pyrroline-5-carboxylate reductase; 1-PYRROLINE-5-CARBOXYLATE DEHYDROGENASE DEFICIENCY; Delta-1-pyrroline-5-carboxylate dehydrogenase deficiency. Identifiers: Orphanet 79101, MedGen C2931835, MONDO:0009401, OMIM 239510.
ALDH4A1-related disorder. Also called: ALDH4A1-related condition.

Allele frequency attached by ClinVar (database versions not stated): gnomAD 0.00013; TOPMed 0.00014; 1000 Genomes Project 30x 0.00016; 1000 Genomes Project 0.00020; gnomAD exomes 0.00020 and 0.00021; ExAC 0.00023; ESP Exome Variant Server 0.00023.
gnomAD v4.1: 317 of 1,614,134 alleles (0.02%); highest among the groups gnomAD compares: Middle Eastern, 0.2%; 1 homozygote.

Submissions (3):

Labcorp Genetics (formerly Invitae), Labcorp
Classification: Likely benign for Hyperprolinemia type 2. Last evaluated: 2025-12-08. Review status: criteria provided, single submitter. Criteria: Invitae Variant Classification Sherloc (09022015). Collection method: clinical testing. Allele origin: germline.

CeGaT Center for Human Genetics Tuebingen
Classification: Likely benign. Last evaluated: 2024-07-01. Review status: criteria provided, single submitter. Criteria: CeGaT Center For Human Genetics Tuebingen Variant Classification Criteria Version 2. Collection method: clinical testing. Allele origin: germline. Affected: yes. Observed: 2 variant alleles.
Comment: ALDH4A1: BP4, BP7

PreventionGenetics, part of Exact Sciences
Classification: Likely benign for ALDH4A1-related condition. Last evaluated: 2019-09-05. Review status: no assertion criteria provided. Collection method: clinical testing. Allele origin: germline. Not counted in ClinVar's aggregate classification.
Comment: This variant is classified as likely benign based on ACMG/AMP sequence variant interpretation guidelines (Richards et al. 2015 PMID: 25741868, with internal and published modifications).